The following is an entry in ClinVar:

NM_020778.5(ALPK3):c.4394ACG[1] (p.Asp1466del)

Gene: ALPK3 (alpha kinase 3; plus strand). Cytogenetic location: 15q25.3.
Variant type: Microsatellite.
Coding change: c.4394ACG[1] on transcript NM_020778.5 (MANE Select); one copy of the 3-base unit ACG starting at c.4394; the reference has two copies in a row; one copy, 3 bases deleted.
Protein change: p.Asp1466del; deletes aspartic acid 1466.
Molecular consequence: inframe deletion.
Genome position (GRCh38, 1-based): chr15:84,862,902-84,862,904, ACG deleted; deleting any 3 consecutive bases within chr15:84,862,899-84,862,904 gives the same sequence; the position shown is the placement nearest the transcript's 3' end. VCF-style (leftmost placement, unchanged base first): chr15-84862898-TACG-T. GRCh37 (hg19) VCF-style: chr15-85406129-TACG-T.
Other names: short protein forms D1466del.
Identifiers: ClinVar variation 3859291 (VCV003859291.2).

ClinVar aggregate classification (germline): Uncertain significance. Review status: criteria provided, multiple submitters, no conflicts (2 of 4 stars). 2 submissions from 2 submitters: Uncertain significance (2). Last evaluated 2025-04-01.

Conditions:
Cardiovascular phenotype. Identifiers: MedGen CN230736.

Submissions (2):

Labcorp Genetics (formerly Invitae), Labcorp
Classification: Uncertain significance. Last evaluated: 2025-04-01. Review status: criteria provided, single submitter. Criteria: Invitae Variant Classification Sherloc (09022015). Collection method: clinical testing. Allele origin: germline.
Comment: This variant, c.5003_5005del, results in the deletion of 1 amino acid(s) of the ALPK3 protein (p.Asp1668del), but otherwise preserves the integrity of the reading frame. This variant is present in population databases (no rsID available, gnomAD 0.007%). This variant has not been reported in the literature in individuals affected with ALPK3-related conditions. Experimental studies and prediction algorithms are not available or were not evaluated, and the functional significance of this variant is currently unknown. In summary, the available evidence is currently insufficient to determine the role of this variant in disease. Therefore, it has been classified as a Variant of Uncertain Significance.

Ambry Genetics
Classification: Uncertain significance for Cardiovascular phenotype. Last evaluated: 2025-01-18. Review status: criteria provided, single submitter. Criteria: Ambry Variant Classification Scheme 2023. Collection method: clinical testing. Allele origin: germline.
Comment: The c.5003_5005delACG variant (also known as p.D1668del) is located in coding exon 10 of the ALPK3 gene. This variant results from an in-frame ACG deletion at nucleotide positions 5003 to 5005. This results in the in-frame deletion of an aspartic acid at codon 1668. This amino acid position is well conserved in available vertebrate species. In addition, this alteration is predicted to be deleterious by in silico analysis (Choi Y et al. PLoS ONE. 2012; 7(10):e46688). Based on the available evidence, the clinical significance of this variant remains unclear.